The following is an entry in ClinVar:

ClinVar aggregate classification (germline): Uncertain significance (1 of 4 stars; one submission).

gnomAD v4.1: 1 of 1,613,926 alleles (0.000062%); highest among the groups gnomAD compares: South Asian, 0.0011%; no homozygotes.

Submission:

Labcorp Genetics (formerly Invitae), Labcorp
Classification: Uncertain significance. Last evaluated: 2023-01-15. Review status: criteria provided, single submitter. Criteria: Invitae Variant Classification Sherloc (09022015). Collection method: clinical testing. Allele origin: germline.
Comment: This sequence change replaces serine, which is neutral and polar, with phenylalanine, which is neutral and non-polar, at codon 305 of the ITGAM protein (p.Ser305Phe). This variant is not present in population databases (gnomAD no frequency). This variant has not been reported in the literature in individuals affected with ITGAM-related conditions. Algorithms developed to predict the effect of missense changes on protein structure and function (SIFT, PolyPhen-2, Align-GVGD) all suggest that this variant is likely to be disruptive. In summary, the available evidence is currently insufficient to determine the role of this variant in disease. Therefore, it has been classified as a Variant of Uncertain Significance.

NM_000632.4(ITGAM):c.914C>T (p.Ser305Phe)

Gene: ITGAM (integrin subunit alpha M; plus strand). Cytogenetic location: 16p11.2.
Variant type: single nucleotide variant.
Coding change: c.914C>T on transcript NM_000632.4 (MANE Select); coding-DNA position 914, C replaced by T.
Protein change: p.Ser305Phe; replaces serine 305 with phenylalanine.
Molecular consequence: missense variant.
Genome position (GRCh38, 1-based): chr16:31,275,604, C>T. VCF-style: chr16-31275604-C-T. GRCh37 (hg19) VCF-style: chr16-31286925-C-T.
Other names: c.914C>T, p.Ser305Phe (NM_001145808.2); short protein forms S305F.
Identifiers: ClinVar variation 2991763 (VCV002991763.3), dbSNP rs1235168416, ClinGen allele CA395697528.